The following is an entry in ClinVar:

ClinVar aggregate classification (germline): Likely benign. Review status: criteria provided, multiple submitters, no conflicts (2 of 4 stars). 2 submissions from 2 submitters: Likely benign (2). Last evaluated 2022-12-22.

Conditions:
Congenital hyperammonemia, type I. Also called: CPS I DEFICIENCY; Carbamoyl-phosphate synthase I deficiency; Carbamoyl phosphate synthetase 1 deficiency; Hyperammonemia due to carbamoyl phosphate synthetase 1 deficiency; CPS 1 deficiency; Carbamyl phosphate synthetase (CPS) deficiency. Identifiers: Orphanet 147, MedGen C4082171, MONDO:0009376, OMIM 237300.

Allele frequency attached by ClinVar (database versions not stated): gnomAD exomes below 0.00001.

Submissions (2):

Labcorp Genetics (formerly Invitae), Labcorp
Classification: Likely benign for Congenital hyperammonemia, type I. Last evaluated: 2022-12-22. Review status: criteria provided, single submitter. Criteria: Invitae Variant Classification Sherloc (09022015). Collection method: clinical testing. Allele origin: germline.

GeneDx
Classification: Likely benign. Last evaluated: 2017-11-10. Review status: criteria provided, single submitter. Criteria: GeneDx Variant Classification (06012015). Collection method: clinical testing. Allele origin: germline. Affected: yes.
Comment: This variant is considered likely benign or benign based on one or more of the following criteria: it is a conservative change, it occurs at a poorly conserved position in the protein, it is predicted to be benign by multiple in silico algorithms, and/or has population frequency not consistent with disease.

NM_001875.5(CPS1):c.127-13A>C

Gene: CPS1 (carbamoyl-phosphate synthase 1; plus strand). Cytogenetic location: 2q34.
Variant type: single nucleotide variant.
Coding change: c.127-13A>C on transcript NM_001875.5 (MANE Select); 13 bases into the intron before coding-DNA position 127, A replaced by C.
Molecular consequence: intron variant.
Genome position (GRCh38, 1-based): chr2:210,573,285, A>C. VCF-style: chr2-210573285-A-C. GRCh37 (hg19) VCF-style: chr2-211438009-A-C.
Other names: c.127-13A>C (LRG_336t1, NM_001369257.1, NM_001122633.3); c.160-13A>C (NM_001369256.1).
Identifiers: ClinVar variation 512988 (VCV000512988.4), dbSNP rs1553508991, ClinGen allele CA658796151.